The following is an entry in ClinVar:

NM_016239.4(MYO15A):c.5649+14G>A

Gene: MYO15A (myosin XVA; plus strand). Cytogenetic location: 17p11.2.
Variant type: single nucleotide variant.
Coding change: c.5649+14G>A on transcript NM_016239.4 (MANE Select); 14 bases into the intron after coding-DNA position 5649, G replaced by A.
Molecular consequence: intron variant.
Genome position (GRCh38, 1-based): chr17:18,141,784, G>A. VCF-style: chr17-18141784-G-A. GRCh37 (hg19) VCF-style: chr17-18045098-G-A.
Identifiers: ClinVar variation 45750 (VCV000045750.24), dbSNP rs2072653, ClinGen allele CA136994.

ClinVar aggregate classification (germline): Benign. Review status: criteria provided, multiple submitters, no conflicts (2 of 4 stars). 7 submissions from 7 submitters: Benign (7). Last evaluated 2026-02-04.

Conditions:
Autosomal recessive nonsyndromic hearing loss 3. Also called: NEUROSENSORY NONSYNDROMIC RECESSIVE DEAFNESS 3. Identifiers: Orphanet 90636, MedGen C1838263, MONDO:0010860, OMIM 600316.

Allele frequency attached by ClinVar (database versions not stated): ESP Exome Variant Server 0.12380; gnomAD 0.15358 and 0.15904; TOPMed 0.16672; 1000 Genomes Project 30x 0.23157; 1000 Genomes Project 0.23662.
gnomAD v4.1: 230,414 of 1,612,992 alleles (14%); highest among the groups gnomAD compares: East Asian, 49%; 21,468 homozygotes.

Submissions (7):

Labcorp Genetics (formerly Invitae), Labcorp
Classification: Benign. Last evaluated: 2026-02-04. Review status: criteria provided, single submitter. Criteria: Invitae Variant Classification Sherloc (09022015). Collection method: clinical testing. Allele origin: germline.

Women's Health and Genetics/Laboratory Corporation of America, LabCorp
Classification: Benign. Last evaluated: 2026-01-08. Review status: criteria provided, single submitter. Criteria: LabCorp Variant Classification Summary - May 2015. Collection method: clinical testing. Allele origin: germline.

GeneDx
Classification: Benign. Last evaluated: 2018-06-29. Review status: criteria provided, single submitter. Criteria: GeneDx Variant Classification Process June 2021. Collection method: clinical testing. Allele origin: germline. Affected: yes.

Illumina Laboratory Services, Illumina
Classification: Benign for Autosomal recessive nonsyndromic hearing loss 3. Last evaluated: 2018-01-12. Review status: criteria provided, single submitter. Criteria: ICSL Variant Classification Criteria 13 December 2019. Collection method: clinical testing. Allele origin: germline.
Comment: This variant was observed in the ICSL laboratory as part of a predisposition screen in an ostensibly healthy population. It had not been previously curated by ICSL or reported in the Human Gene Mutation Database (HGMD: prior to June 1st, 2018), and was therefore a candidate for classification through an automated scoring system. Utilizing variant allele frequency, disease prevalence and penetrance estimates, and inheritance mode, an automated score was calculated to assess if this variant is too frequent to cause the disease. Based on the score and internal cut-off values, a variant classified as benign is not then subjected to further curation. The score for this variant resulted in a classification of benign for this disease.

Laboratory for Molecular Medicine, Mass General Brigham Personalized Medicine
Classification: Benign. Last evaluated: 2012-05-07. Review status: criteria provided, single submitter. Criteria: LMM Criteria. Collection method: clinical testing. Allele origin: germline. Observed: 434 variant alleles.
Comment: 5649+14G>A in Intron 23 of MYO15A: This variant is not expected to have clinical significance because it is not located within the conserved splice consensus se quence and has been identified in 13.8% (479/3462) of African American chromosom es from a broad population by the NHLBI Exome Sequencing Project (.; dbSNP rs2072653).

Breakthrough Genomics
Classification: Benign. Review status: criteria provided, single submitter. Criteria: ACMG Guidelines, 2015. Collection method: not provided. Allele origin: germline. Inheritance: Autosomal recessive inheritance. Affected: yes.

PreventionGenetics, part of Exact Sciences
Classification: Benign. Review status: criteria provided, single submitter. Criteria: ACMG Guidelines, 2015. Collection method: clinical testing. Allele origin: germline.